The following is an entry in ClinVar:

NM_001940.4(ATN1):c.1550A>G (p.His517Arg)

Gene: ATN1 (atrophin 1; plus strand). Cytogenetic location: 12p13.31.
Variant type: single nucleotide variant.
Coding change: c.1550A>G on transcript NM_001940.4 (MANE Select); coding-DNA position 1550, A replaced by G.
Protein change: p.His517Arg; replaces histidine 517 with arginine.
Molecular consequence: missense variant.
Genome position (GRCh38, 1-based): chr12:6,936,817, A>G. VCF-style: chr12-6936817-A-G. GRCh37 (hg19) VCF-style: chr12-7045980-A-G.
Other names: c.1550A>G, p.His517Arg (NM_001007026.2); short protein forms H517R.
Identifiers: ClinVar variation 2479957 (VCV002479957.26), dbSNP rs782288066, ClinGen allele CA6420655.

ClinVar aggregate classification (germline): Conflicting classifications of pathogenicity. Review status: criteria provided, conflicting classifications (1 of 4 stars). 2 submissions from 2 submitters: Uncertain significance (1); Likely benign (1). Last evaluated 2023-07-01.

Conditions:
Inborn genetic diseases. Identifiers: MedGen C0950123, MeSH D030342.

Allele frequency attached by ClinVar (database versions not stated): gnomAD 0.00001; gnomAD exomes 0.00001; TOPMed 0.00001; ExAC 0.00002.
gnomAD v4.1: 21 of 1,612,798 alleles (0.0013%); highest among the groups gnomAD compares: Non-Finnish European, 0.0016%; no homozygotes.

Submissions (2):

CeGaT Center for Human Genetics Tuebingen
Classification: Likely benign. Last evaluated: 2023-07-01. Review status: criteria provided, single submitter. Criteria: CeGaT Center For Human Genetics Tuebingen Variant Classification Criteria Version 2. Collection method: clinical testing. Allele origin: germline. Affected: yes. Observed: 1 variant allele.
Comment: ATN1: BP4

Ambry Genetics
Classification: Uncertain significance for Inborn genetic diseases. Last evaluated: 2023-01-31. Review status: criteria provided, single submitter. Criteria: Ambry Variant Classification Scheme 2023. Collection method: clinical testing. Allele origin: germline.